The following is an entry in ClinVar:

ClinVar aggregate classification (germline): Uncertain significance (1 of 4 stars; one submission).

Conditions:
Inborn genetic diseases. Identifiers: MedGen C0950123, MeSH D030342.

Submission:

Ambry Genetics
Classification: Uncertain significance for Inborn genetic diseases. Last evaluated: 2025-06-21. Review status: criteria provided, single submitter. Criteria: Ambry Variant Classification Scheme 2023. Collection method: clinical testing. Allele origin: germline.
Comment: The p.L1309H variant (also known as c.3926T>A), located in coding exon 1 of the SAMD9 gene, results from a T to A substitution at nucleotide position 3926. The leucine at codon 1309 is replaced by histidine, an amino acid with similar properties. This amino acid position is conserved. In addition, this alteration is predicted to be tolerated by in silico analysis. Based on the available evidence, the clinical significance of this variant remains unclear.

NM_017654.4(SAMD9):c.3926T>A (p.Leu1309His)

Gene: SAMD9 (sterile alpha motif domain containing 9; minus strand). Cytogenetic location: 7q21.2.
Variant type: single nucleotide variant.
Coding change: c.3926T>A on transcript NM_017654.4 (MANE Select); coding-DNA position 3926, T replaced by A.
Protein change: p.Leu1309His; replaces leucine 1309 with histidine.
Molecular consequence: missense variant.
Genome position (GRCh38, 1-based): chr7:93,102,172, A>T on the plus strand (T>A on the coding strand, the complement: SAMD9 is on the minus strand). VCF-style: chr7-93102172-A-T. GRCh37 (hg19) VCF-style: chr7-92731485-A-T.
Other names: c.3926T>A, p.Leu1309His (NM_001193307.2); short protein forms L1309H.
Identifiers: ClinVar variation 4159028 (VCV004159028.1).